The following is an entry in ClinVar:

NM_000180.4(GUCY2D):c.1518C>T (p.Thr506=)

Gene: GUCY2D (guanylate cyclase 2D, retinal; plus strand). Cytogenetic location: 17p13.1.
Variant type: single nucleotide variant.
Coding change: c.1518C>T on transcript NM_000180.4 (MANE Select); coding-DNA position 1518, C replaced by T.
Protein change: p.Thr506=; no amino-acid change (threonine 506 retained).
Molecular consequence: synonymous variant.
Genome position (GRCh38, 1-based): chr17:8,007,480, C>T. VCF-style: chr17-8007480-C-T. GRCh37 (hg19) VCF-style: chr17-7910798-C-T.
Other names: c.1518C>T (NM_000180.3).
Identifiers: ClinVar variation 1121980 (VCV001121980.13), dbSNP rs779132852, ClinGen allele CA8365780.

ClinVar aggregate classification (germline): Likely benign. Review status: criteria provided, multiple submitters, no conflicts (2 of 4 stars). 4 submissions from 4 submitters: Likely benign (2). 2 of the submissions do not count toward it. Last evaluated 2025-04-14.

Conditions:
GUCY2D-related disorder. Also called: GUCY2D-related condition.
Leber congenital amaurosis 1 (LCA1). Also called: AMAUROSIS CONGENITA OF LEBER I; Congenital absence of the rods and cones; Leber's congenital tapetoretinal degeneration; Leber's congenital tapetoretinal dysplasia; RETINAL BLINDNESS, CONGENITAL. Identifiers: Orphanet 65, MedGen C2931258, MONDO:0008764, OMIM 204000.
Cone-rod dystrophy 6 (CORD6). Also called: Cone dystrophy progressive; RETINAL CONE DYSTROPHY 2. Identifiers: Orphanet 1872, MedGen C1866293, MONDO:0011143, OMIM 601777.

Allele frequency attached by ClinVar (database versions not stated): gnomAD 0.00002; gnomAD exomes 0.00002 and 0.00003; TOPMed 0.00002; ExAC 0.00004.
gnomAD v4.1: 33 of 1,613,416 alleles (0.002%); highest among the groups gnomAD compares: Middle Eastern, 0.049%; no homozygotes.

Submissions (4):

Labcorp Genetics (formerly Invitae), Labcorp
Classification: Likely benign for Leber congenital amaurosis 1; Cone-rod dystrophy 6. Last evaluated: 2025-04-14. Review status: criteria provided, single submitter. Criteria: Invitae Variant Classification Sherloc (09022015). Collection method: clinical testing. Allele origin: germline.

PreventionGenetics, part of Exact Sciences
Classification: Likely benign for GUCY2D-related condition. Last evaluated: 2025-04-01. Review status: criteria provided, single submitter. Criteria: ACMG Guidelines, 2015. Collection method: clinical testing. Allele origin: germline.
Comment: This variant is classified as likely benign based on ACMG/AMP sequence variant interpretation guidelines (Richards et al. 2015 PMID: 25741868, with internal and published modifications).

Clinical Genetics DNA and cytogenetics Diagnostics Lab, Erasmus MC, Erasmus Medical Center
Classification: Likely benign. Review status: no assertion criteria provided. Collection method: clinical testing. Allele origin: germline. Affected: yes. Study: VKGL Data-share Consensus. Not counted in ClinVar's aggregate classification.

Clinical Genetics, Academic Medical Center
Classification: Likely benign. Review status: no assertion criteria provided. Collection method: clinical testing. Allele origin: germline. Affected: yes. Study: VKGL Data-share Consensus. Not counted in ClinVar's aggregate classification.